The following is an entry in ClinVar:

NM_001386298.1(CIC):c.3350T>C (p.Met1117Thr)

Gene: CIC (capicua transcriptional repressor; plus strand). Cytogenetic location: 19q13.2.
Variant type: single nucleotide variant.
Coding change: c.3350T>C on transcript NM_001386298.1 (MANE Select); coding-DNA position 3350, T replaced by C.
Protein change: p.Met1117Thr; replaces methionine 1117 with threonine.
Molecular consequence: missense variant.
Genome position (GRCh38, 1-based): chr19:42,287,585, T>C. VCF-style: chr19-42287585-T-C. GRCh37 (hg19) VCF-style: chr19-42791737-T-C.
Other names: c.3350T>C, p.Met1117Thr (NM_001304815.2, NM_001379480.1, NM_001379482.1); c.623T>C, p.Met208Thr (NM_001379484.1, NM_001379485.1, NM_015125.5); short protein forms M1117T, M208T.
Identifiers: ClinVar variation 3376331 (VCV003376331.1).

ClinVar aggregate classification (germline): Uncertain significance (1 of 4 stars; one submission).

Conditions:
Intellectual developmental disorder, autosomal dominant 45. Also called: MENTAL RETARDATION, AUTOSOMAL DOMINANT 45; Intellectual disability, autosomal dominant 45. Identifiers: MedGen C4539848, MONDO:0030910, OMIM 617600.

Submission:

Pittsburgh Clinical Genomics Laboratory, University of Pittsburgh Medical Center
Classification: Uncertain significance for Intellectual developmental disorder, autosomal dominant 45. Last evaluated: 2023-04-25. Review status: criteria provided, single submitter. Criteria: ACMG Guidelines, 2015. Collection method: clinical testing. Allele origin: germline. Inheritance: Autosomal dominant inheritance. Affected: yes.
Comment: This sequence variant is a single nucleotide substitution (T>C) at coding position 623 in the CIC gene which results in a methionine to threonine amino acid change at residue 208 in the CIC protein. This novel variant has not been reported in clinical genetics databases or observed in the medical literature in individuals with CIC-related disease, to our knowledge. This variant is absent from the gnomAD population database (0/~250000 alleles). Multiple bioinformatic tools queried predict that this amino acid change would be damaging, and methionine is highly conserved at this protein position in vertebrates. Functiol studies assessing the effect of this variant on protein structure or activity have not been performed, to our knowledge. At this time, there is insufficient evidence to determine if this variant is pathogenic or benign. Therefore, we consider it to be a variant of uncertain significance. ACMG Criteria: PM2, PP3